The following is an entry in ClinVar:

NC_000006.11:g.(?_80816411)_(80816626_?)del

Gene: BCKDHB (branched chain keto acid dehydrogenase E1 subunit beta; plus strand). Cytogenetic location: 6q14.1.
Variant type: Deletion.
Identifiers: ClinVar variation 1459691 (VCV001459691.5).

ClinVar aggregate classification (germline): Pathogenic (1 of 4 stars; one submission).

Conditions:
Maple syrup urine disease (MSUD). Identifiers: Orphanet 511, MedGen C0024776, MeSH D008375, MONDO:0009563. Disease mechanism: loss of function.

Submission:

Labcorp Genetics (formerly Invitae), Labcorp
Classification: Pathogenic for Maple syrup urine disease. Last evaluated: 2024-01-22. Review status: criteria provided, single submitter. Criteria: Invitae Variant Classification Sherloc (09022015). Collection method: clinical testing. Allele origin: germline.
Comment: This variant is a gross deletion of the genomic region encompassing exon(s) 1 of the BCKDHB gene, which includes the initiator codon. This deletion extends beyond the assayed region for this gene and therefore may encompass additional genes. It is expected to result in an absent or disrupted protein product. Loss-of-function variants in BCKDHB are known to be pathogenic (PMID: 16786533, 22593002). A similar copy number variant has been observed in individual(s) with maple syrup urine disease (PMID: 26257134). For these reasons, this variant has been classified as Pathogenic.

Literature cited by the submitters: PubMed 16786533; PubMed 22593002; PubMed 26257134.